The following is an entry in ClinVar:

ClinVar aggregate classification (germline): Uncertain significance (1 of 4 stars; one submission).

Conditions:
Primary ciliary dyskinesia. Also called: Ciliary dyskinesia. Identifiers: Orphanet 244, MedGen C0008780, MONDO:0016575, HP:0012265.

Submission:

Labcorp Genetics (formerly Invitae), Labcorp
Classification: Uncertain significance for Primary ciliary dyskinesia. Last evaluated: 2019-05-08. Review status: criteria provided, single submitter. Criteria: Invitae Variant Classification Sherloc (09022015). Collection method: clinical testing. Allele origin: germline.
Comment: This sequence change replaces leucine with proline at codon 250 of the DNAAF1 protein (p.Leu250Pro). The leucine residue is highly conserved and there is a moderate physicochemical difference between leucine and proline. In summary, the available evidence is currently insufficient to determine the role of this variant in disease. Therefore, it has been classified as a Variant of Uncertain Significance. Algorithms developed to predict the effect of missense changes on protein structure and function (SIFT, PolyPhen-2, Align-GVGD) all suggest that this variant is likely to be disruptive, but these predictions have not been confirmed by published functional studies and their clinical significance is uncertain. This variant has not been reported in the literature in individuals with DNAAF1-related disease. This variant is not present in population databases (ExAC no frequency).

NM_178452.6(DNAAF1):c.749T>C (p.Leu250Pro)

Gene: DNAAF1 (dynein axonemal assembly factor 1; plus strand). Cytogenetic location: 16q24.1.
Variant type: single nucleotide variant.
Coding change: c.749T>C on transcript NM_178452.6 (MANE Select); coding-DNA position 749, T replaced by C.
Protein change: p.Leu250Pro; replaces leucine 250 with proline.
Molecular consequence: missense variant. On other transcripts: 5 prime UTR variant (1).
Genome position (GRCh38, 1-based): chr16:84,159,682, T>C. VCF-style: chr16-84159682-T-C. GRCh37 (hg19) VCF-style: chr16-84193287-T-C.
Other names: c.-8T>C (NM_001318756.1); short protein forms L250P.
Identifiers: ClinVar variation 525425 (VCV000525425.10), dbSNP rs1555522543, ClinGen allele CA396944889.
Genomic context (GRCh38, chr16:84,159,682, plus strand): 5'-TAATTCAATCGCATCTTTCAGTAATCATTTTGGTTCTGCTTGTCTTCTTGCAGCGTGTAC[T>C]GAATTTGATGGGAAACCCGGTTATCAGACAGATTCCTAATTACAGAAGGACAGTCACTGT-3'
Protein context (NP_848547.4, residues 240-260): ILESMPDLRV[Leu250Pro]NLMGNPVIRQ